The following is an entry in ClinVar:

ClinVar aggregate classification (germline): Benign/Likely benign. Review status: criteria provided, multiple submitters, no conflicts (2 of 4 stars). 3 submissions from 3 submitters: Benign (1); Likely benign (2). Last evaluated 2025-12-29.

Conditions:
Familial cancer of breast. Also called: Hereditary breast cancer; hereditary breast carcinoma; BREAST CANCER, FAMILIAL. Identifiers: Orphanet 227535, MedGen C0346153, MONDO:0016419, OMIM 114480. Disease mechanism: loss of function.
Ataxia-telangiectasia syndrome (AT). Also called: Cerebello-oculocutaneous telangiectasia; Immunodeficiency with ataxia telangiectasia; Ataxia-telangiectasia, complementation group E; Ataxia-telangiectasia, complementation group D; AT, COMPLEMENTATION GROUP C; ATAXIA-TELANGIECTASIA, COMPLEMENTATION GROUP A. Identifiers: Orphanet 100, MedGen C0004135, MONDO:0008840, OMIM 208900.
Hereditary cancer-predisposing syndrome. Also called: Hereditary Cancer Syndrome; Neoplastic Syndromes, Hereditary; Hereditary neoplastic syndrome; Tumor predisposition. Identifiers: Orphanet 140162, MedGen C0027672, MeSH D009386, MONDO:0015356.

Submissions (3):

Labcorp Genetics (formerly Invitae), Labcorp
Classification: Likely benign for Ataxia-telangiectasia syndrome. Last evaluated: 2025-12-29. Review status: criteria provided, single submitter. Criteria: Invitae Variant Classification Sherloc (09022015). Collection method: clinical testing. Allele origin: germline.

Myriad Genetics, Inc.
Classification: Benign for Familial cancer of breast. Last evaluated: 2024-05-09. Review status: criteria provided, single submitter. Criteria: Myriad Autosomal Dominant, Autosomal Recessive and X-Linked Classification Criteria (2023). Collection method: clinical testing. Allele origin: unknown.
Comment: This variant is considered benign. This variant is a silent/synonymous amino acid change and it is not expected to impact splicing.

Ambry Genetics
Classification: Likely benign for Hereditary cancer-predisposing syndrome. Last evaluated: 2019-04-03. Review status: criteria provided, single submitter. Criteria: Ambry Variant Classification Scheme 2023. Collection method: clinical testing. Allele origin: germline.

NM_000051.4(ATM):c.2532A>C (p.Gly844=)

Gene: ATM (ATM serine/threonine kinase; plus strand). Cytogenetic location: 11q22.3.
Variant type: single nucleotide variant.
Coding change: c.2532A>C on transcript NM_000051.4 (MANE Select); coding-DNA position 2532, A replaced by C.
Protein change: p.Gly844=; no amino-acid change (glycine 844 retained).
Molecular consequence: synonymous variant.
Genome position (GRCh38, 1-based): chr11:108,267,236, A>C. VCF-style: chr11-108267236-A-C. GRCh37 (hg19) VCF-style: chr11-108137963-A-C.
Other names: c.2532A>C, p.Gly844= (NM_001351834.2).
Identifiers: ClinVar variation 821406 (VCV000821406.6), dbSNP rs755261743, ClinGen allele CA476673553.
Genomic context (GRCh38, chr11:108,267,236, plus strand): 5'-CTTCATCAAAAAGCCATTTGACCGTGGAGAAGTAGAATCAATGGAAGATGATACTAATGG[A>C]AATCTAATGGAGGTGGAGGATCAGTCATCCATGAATCTATTTAACGATTACCCTGATAGT-3'
Protein context (NP_000042.3, residues 834-854): EVESMEDDTN[Gly844=]NLMEVEDQSS